The following is an entry in ClinVar:

NM_007259.5(VPS45):c.-3G>T

Gene: VPS45 (vacuolar protein sorting 45 homolog; plus strand). Cytogenetic location: 1q21.2.
Variant type: single nucleotide variant.
Coding change: c.-3G>T on transcript NM_007259.5 (MANE Select); 3 bases upstream of the start codon, G replaced by T.
Molecular consequence: 5 prime UTR variant. On other transcripts: non-coding transcript variant (1), intron variant (1).
Genome position (GRCh38, 1-based): chr1:150,067,855, G>T. VCF-style: chr1-150067855-G-T. GRCh37 (hg19) VCF-style: chr1-150039912-G-T.
Other names: c.-131G>T (NM_001279354.2); c.-16+249G>T (NM_001279353.2).
Identifiers: ClinVar variation 3026499 (VCV003026499.22), dbSNP rs2526022965, ClinGen allele CA2740090353.

ClinVar aggregate classification (germline): Uncertain significance (1 of 4 stars; one submission).

Submission:

CeGaT Center for Human Genetics Tuebingen
Classification: Uncertain significance. Last evaluated: 2024-02-01. Review status: criteria provided, single submitter. Criteria: CeGaT Center For Human Genetics Tuebingen Variant Classification Criteria Version 2. Collection method: clinical testing. Allele origin: germline. Affected: yes. Observed: 1 variant allele.
Comment: VPS45: PM2, BP4